The following is an entry in ClinVar:

NM_033118.4(MYLK2):c.1438T>C (p.Ser480Pro)

Gene: MYLK2 (myosin light chain kinase 2; plus strand). Cytogenetic location: 20q11.21.
Variant type: single nucleotide variant.
Coding change: c.1438T>C on transcript NM_033118.4 (MANE Select); coding-DNA position 1438, T replaced by C.
Protein change: p.Ser480Pro; replaces serine 480 with proline.
Molecular consequence: missense variant.
Genome position (GRCh38, 1-based): chr20:31,831,716, T>C. VCF-style: chr20-31831716-T-C. GRCh37 (hg19) VCF-style: chr20-30419519-T-C.
Other names: short protein forms S480P.
Identifiers: ClinVar variation 2763904 (VCV002763904.3), dbSNP rs2515461016, ClinGen allele CA408527902.

ClinVar aggregate classification (germline): Uncertain significance (1 of 4 stars; one submission).

Conditions:
Hypertrophic cardiomyopathy 1 (CMH1). Also called: Familial hypertrophic cardiomyopathy 1; MYH7-Related Familial Hypertrophic Cardiomyopathy. Identifiers: MedGen C3495498, MONDO:0008647, OMIM 192600.

Submission:

Labcorp Genetics (formerly Invitae), Labcorp
Classification: Uncertain significance for Hypertrophic cardiomyopathy 1. Last evaluated: 2023-09-27. Review status: criteria provided, single submitter. Criteria: Invitae Variant Classification Sherloc (09022015). Collection method: clinical testing. Allele origin: germline.
Comment: This sequence change replaces serine, which is neutral and polar, with proline, which is neutral and non-polar, at codon 480 of the MYLK2 protein (p.Ser480Pro). This variant is not present in population databases (gnomAD no frequency). This variant has not been reported in the literature in individuals affected with MYLK2-related conditions. Advanced modeling of protein sequence and biophysical properties (such as structural, functional, and spatial information, amino acid conservation, physicochemical variation, residue mobility, and thermodynamic stability) performed at Invitae indicates that this missense variant is expected to disrupt MYLK2 protein function. In summary, the available evidence is currently insufficient to determine the role of this variant in disease. Therefore, it has been classified as a Variant of Uncertain Significance.